The following is an entry in ClinVar:

ClinVar aggregate classification (germline): Uncertain significance. Review status: criteria provided, multiple submitters, no conflicts (2 of 4 stars). 2 submissions from 2 submitters: Uncertain significance (2). Last evaluated 2026-05-26.

Conditions:
Hereditary cancer-predisposing syndrome. Also called: Hereditary Cancer Syndrome; Neoplastic Syndromes, Hereditary; Tumor predisposition; Hereditary neoplastic syndrome. Identifiers: Orphanet 140162, MedGen C0027672, MeSH D009386, MONDO:0015356.
EGFR-related lung cancer (EGFR). Identifiers: MedGen CN130014.

Allele frequency attached by ClinVar (database versions not stated): ESP Exome Variant Server 0.00008; gnomAD exomes below 0.00001.
gnomAD v4.1: 2 of 1,613,876 alleles (0.00012%); highest among the groups gnomAD compares: Non-Finnish European, 0.00017%; no homozygotes.

Submissions (2):

Ambry Genetics
Classification: Uncertain significance for Hereditary cancer-predisposing syndrome. Last evaluated: 2026-05-26. Review status: criteria provided, single submitter. Criteria: Ambry Variant Classification Scheme 2023. Collection method: clinical testing. Allele origin: germline.
Comment: The p.Y827F variant (also known as c.2480A>T), located in coding exon 21 of the EGFR gene, results from an A to T substitution at nucleotide position 2480. The tyrosine at codon 827 is replaced by phenylalanine, an amino acid with highly similar properties. This amino acid position is highly conserved in available vertebrate species. In addition, the in silico prediction for this alteration is inconclusive. Based on the available evidence, the clinical significance of this variant remains unclear.

Labcorp Genetics (formerly Invitae), Labcorp
Classification: Uncertain significance for EGFR-related lung cancer. Last evaluated: 2025-10-15. Review status: criteria provided, single submitter. Criteria: Invitae Variant Classification Sherloc (09022015). Collection method: clinical testing. Allele origin: germline.
Comment: This sequence change replaces tyrosine, which is neutral and polar, with phenylalanine, which is neutral and non-polar, at codon 827 of the EGFR protein (p.Tyr827Phe). This variant is not present in population databases (gnomAD no frequency). This variant has not been reported in the literature in individuals affected with EGFR-related conditions. ClinVar contains an entry for this variant (Variation ID: 999885). Invitae Evidence Modeling of protein sequence and biophysical properties (such as structural, functional, and spatial information, amino acid conservation, physicochemical variation, residue mobility, and thermodynamic stability) indicates that this missense variant is expected to disrupt EGFR protein function with a positive predictive value of 80%. In summary, the available evidence is currently insufficient to determine the role of this variant in disease. Therefore, it has been classified as a Variant of Uncertain Significance.

NM_005228.5(EGFR):c.2480A>T (p.Tyr827Phe)

Gene: EGFR (epidermal growth factor receptor; plus strand). Cytogenetic location: 7p11.2.
Variant type: single nucleotide variant.
Coding change: c.2480A>T on transcript NM_005228.5 (MANE Select); coding-DNA position 2480, A replaced by T.
Protein change: p.Tyr827Phe; replaces tyrosine 827 with phenylalanine.
Molecular consequence: missense variant.
Genome position (GRCh38, 1-based): chr7:55,191,729, A>T. VCF-style: chr7-55191729-A-T. GRCh37 (hg19) VCF-style: chr7-55259422-A-T.
Other names: c.2345A>T, p.Tyr782Phe (NM_001346897.2, NM_001346899.2); c.2480A>T, p.Tyr827Phe (NM_001346898.2); c.2480A>T (NM_005228.3); c.2321A>T, p.Tyr774Phe (NM_001346900.2); c.1679A>T, p.Tyr560Phe (NM_001346941.2); short protein forms Y560F, Y774F, Y782F, Y827F.
Identifiers: ClinVar variation 999885 (VCV000999885.9), dbSNP rs150749913, ClinGen allele CA158934114.